The following is an entry in ClinVar:

ClinVar aggregate classification (germline): Uncertain significance. Review status: criteria provided, multiple submitters, no conflicts (2 of 4 stars). 2 submissions from 2 submitters: Uncertain significance (2). Last evaluated 2025-06-02.

Conditions:
Inborn genetic diseases. Identifiers: MedGen C0950123, MeSH D030342.

Allele frequency attached by ClinVar (database versions not stated): TOPMed below 0.00001.

Submissions (2):

GeneDx
Classification: Uncertain significance. Last evaluated: 2025-06-02. Review status: criteria provided, single submitter. Criteria: GeneDx Variant Classification Process June 2021. Collection method: clinical testing. Allele origin: germline. Affected: yes.
Comment: Not observed at significant frequency in large population cohorts (gnomAD); In silico analysis suggests that this missense variant does not alter protein structure/function; Has not been previously published as pathogenic or benign to our knowledge

Ambry Genetics
Classification: Uncertain significance for Inborn genetic diseases. Last evaluated: 2022-10-12. Review status: criteria provided, single submitter. Criteria: Ambry Variant Classification Scheme 2023. Collection method: clinical testing. Allele origin: germline.

NM_001384140.1(PCDH15):c.1189A>G (p.Met397Val)

Gene: PCDH15 (protocadherin related 15; minus strand). Cytogenetic location: 10q21.1.
Variant type: single nucleotide variant.
Coding change: c.1189A>G on transcript NM_001384140.1 (MANE Select); coding-DNA position 1189, A replaced by G.
Protein change: p.Met397Val; replaces methionine 397 with valine.
Molecular consequence: missense variant.
Genome position (GRCh38, 1-based): chr10:54,195,799, T>C on the plus strand (A>G on the coding strand, the complement: PCDH15 is on the minus strand). VCF-style: chr10-54195799-T-C. GRCh37 (hg19) VCF-style: chr10-55955559-T-C.
Other names: c.1189A>G, p.Met397Val (NM_001142772.2, NM_001354411.2, NM_001354420.2 and 7 more transcripts); c.1123A>G, p.Met375Val (NM_001142773.2, NM_001354404.2, NM_001142768.2); c.1204A>G, p.Met402Val (NM_001142763.2, NM_001142769.4, NM_001142771.2); c.1078A>G, p.Met360Val (NM_001142767.2); short protein forms M375V, M397V, M360V, M402V.
Identifiers: ClinVar variation 2318576 (VCV002318576.3), dbSNP rs2049554028, ClinGen allele CA376519139.
Genomic context (GRCh38, chr10:54,195,799, plus strand): 5'-TGTCCGAAATGGTTGCTCCCACTGGGGCAGATTCCAGGATATAGCCTTGATAACTGGGCA[T>C]TGTAAAATATGGACTTTGATTGTTTTCATCCAGTATTTCAATGTGTAGACCGGCAAAGGC-3'
Protein context (NP_001371069.1, residues 387-407): DENNQSPYFT[Met397Val]PSYQGYILES